The following is an entry in ClinVar:

ClinVar aggregate classification (germline): Benign/Likely benign. Review status: criteria provided, multiple submitters, no conflicts (2 of 4 stars). 8 submissions from 8 submitters: Benign (1); Likely benign (6). 1 of the submissions does not count toward it. Last evaluated 2026-01-18.

Conditions:
Inborn genetic diseases. Identifiers: MedGen C0950123, MeSH D030342.
ACADVL-related disorder. Also called: ACADVL-related condition.
Very long chain acyl-CoA dehydrogenase deficiency (ACADVLD). Also called: VLCAD Deficiency; Very Long-Chain Acyl-Coenzyme A Dehydrogenase Deficiency. Identifiers: Orphanet 26793, MedGen C3887523, MONDO:0008723, OMIM 201475.

Allele frequency attached by ClinVar (database versions not stated): gnomAD exomes 0.00031; ExAC 0.00043; TOPMed 0.00063; 1000 Genomes Project 30x 0.00078; 1000 Genomes Project 0.00080; gnomAD 0.00108; ESP Exome Variant Server 0.00115.
gnomAD v4.1: 345 of 1,614,066 alleles (0.021%); highest among the groups gnomAD compares: African/African-American, 0.25%; no homozygotes.

Submissions (8):

Labcorp Genetics (formerly Invitae), Labcorp
Classification: Benign for Very long chain acyl-CoA dehydrogenase deficiency. Last evaluated: 2026-01-18. Review status: criteria provided, single submitter. Criteria: Invitae Variant Classification Sherloc (09022015). Collection method: clinical testing. Allele origin: germline.

Mayo Clinic Laboratories, Mayo Clinic
Classification: Likely benign. Last evaluated: 2025-09-30. Review status: criteria provided, single submitter. Criteria: ACMG Guidelines, 2015. Collection method: clinical testing. Allele origin: germline. Observed: 3 variant alleles.
Comment: BP4, BP7

Illumina Laboratory Services, Illumina
Classification: Likely benign for Very long chain acyl-CoA dehydrogenase deficiency. Last evaluated: 2025-04-08. Review status: criteria provided, single submitter. Criteria: ICSLVariantClassificationCriteria RUGD 01 April 2020. Collection method: clinical testing. Allele origin: unknown.

Blueprint Genetics
Classification: Likely benign. Last evaluated: 2024-11-24. Review status: criteria provided, single submitter. Criteria: ACMG Guidelines, 2015. Collection method: clinical testing. Allele origin: germline.

CeGaT Center for Human Genetics Tuebingen
Classification: Likely benign. Last evaluated: 2023-01-01. Review status: criteria provided, single submitter. Criteria: CeGaT Center For Human Genetics Tuebingen Variant Classification Criteria Version 2. Collection method: clinical testing. Allele origin: germline. Affected: yes. Observed: 2 variant alleles.
Comment: ACADVL: BP4, BP7

Ambry Genetics
Classification: Likely benign for Inborn genetic diseases. Last evaluated: 2022-12-09. Review status: criteria provided, single submitter. Criteria: Ambry Variant Classification Scheme 2023. Collection method: clinical testing. Allele origin: germline.

GeneDx
Classification: Likely benign. Last evaluated: 2019-06-19. Review status: criteria provided, single submitter. Criteria: GeneDx Variant Classification Process June 2021. Collection method: clinical testing. Allele origin: germline. Affected: yes.

PreventionGenetics, part of Exact Sciences
Classification: Likely benign for ACADVL-related condition. Last evaluated: 2020-01-21. Review status: no assertion criteria provided. Collection method: clinical testing. Allele origin: germline. Not counted in ClinVar's aggregate classification.
Comment: This variant is classified as likely benign based on ACMG/AMP sequence variant interpretation guidelines (Richards et al. 2015 PMID: 25741868, with internal and published modifications).

NM_000018.4(ACADVL):c.780G>A (p.Thr260=)

Gene: ACADVL (acyl-CoA dehydrogenase very long chain; plus strand). Cytogenetic location: 17p13.1.
Variant type: single nucleotide variant.
Coding change: c.780G>A on transcript NM_000018.4 (MANE Select); coding-DNA position 780, G replaced by A.
Protein change: p.Thr260=; no amino-acid change (threonine 260 retained).
Molecular consequence: synonymous variant.
Genome position (GRCh38, 1-based): chr17:7,222,204, G>A. VCF-style: chr17-7222204-G-A. GRCh37 (hg19) VCF-style: chr17-7125523-G-A.
Other names: p.Thr260=; c.714G>A, p.Thr238= (NM_001033859.3); c.849G>A, p.Thr283= (NM_001270447.2); c.552G>A, p.Thr184= (NM_001270448.2).
Identifiers: ClinVar variation 706483 (VCV000706483.46), dbSNP rs140871321, ClinGen allele CA8337851.